The following is an entry in ClinVar:

NM_000264.5(PTCH1):c.1941C>A (p.Ser647Arg)

Genes: PTCH1 (patched 1; minus strand), LOC100507346 (uncharacterized LOC100507346; plus strand). Cytogenetic location: 9q22.32.
Variant type: single nucleotide variant.
Coding change: c.1941C>A on transcript NM_000264.5 (MANE Select); coding-DNA position 1941, C replaced by A.
Protein change: p.Ser647Arg; replaces serine 647 with arginine.
Molecular consequence: missense variant. On other transcripts: non-coding transcript variant (2).
Genome position (GRCh38, 1-based): chr9:95,469,060, G>T on the plus strand (C>A on the coding strand, the complement: PTCH1 is on the minus strand). VCF-style: chr9-95469060-G-T. GRCh37 (hg19) VCF-style: chr9-98231342-G-T.
Other names: c.1743C>A, p.Ser581Arg (NM_001083602.3); c.1938C>A, p.Ser646Arg (NM_001083603.3); c.1488C>A, p.Ser496Arg (NM_001083604.3, NM_001083605.3, NM_001083606.3 and 1 more transcripts); c.1785C>A, p.Ser595Arg (NM_001354918.2); short protein forms S581R, S646R, S496R, S595R, S647R.
Identifiers: ClinVar variation 1368064 (VCV001368064.9), dbSNP rs2118052149, ClinGen allele CA374116000.

ClinVar aggregate classification (germline): Uncertain significance. Review status: criteria provided, multiple submitters, no conflicts (2 of 4 stars). 2 submissions from 2 submitters: Uncertain significance (2). Last evaluated 2024-08-14.

Conditions:
Hereditary cancer-predisposing syndrome. Also called: Hereditary neoplastic syndrome; Hereditary Cancer Syndrome; Neoplastic Syndromes, Hereditary; Tumor predisposition. Identifiers: Orphanet 140162, MedGen C0027672, MeSH D009386, MONDO:0015356.
Gorlin syndrome. Also called: Basal cell nevus syndrome; Nevoid Basal Cell Carcinoma Syndrome. Identifiers: Orphanet 377, MedGen C0004779, MONDO:0007187.

gnomAD v4.1: 1 of 1,614,090 alleles (0.000062%); highest among the groups gnomAD compares: Non-Finnish European, 0.000085%; no homozygotes.

Submissions (2):

Ambry Genetics
Classification: Uncertain significance for Hereditary cancer-predisposing syndrome. Last evaluated: 2024-08-14. Review status: criteria provided, single submitter. Criteria: Ambry Variant Classification Scheme 2023. Collection method: clinical testing. Allele origin: germline.
Comment: The p.S647R variant (also known as c.1941C>A), located in coding exon 14 of the PTCH1 gene, results from a C to A substitution at nucleotide position 1941. The serine at codon 647 is replaced by arginine, an amino acid with dissimilar properties. This amino acid position is highly conserved in available vertebrate species. In addition, this alteration is predicted to be deleterious by in silico analysis. Since supporting evidence is limited at this time, the clinical significance of this alteration remains unclear.

Labcorp Genetics (formerly Invitae), Labcorp
Classification: Uncertain significance for Gorlin syndrome. Last evaluated: 2022-07-26. Review status: criteria provided, single submitter. Criteria: Invitae Variant Classification Sherloc (09022015). Collection method: clinical testing. Allele origin: germline.
Comment: This variant is not present in population databases (gnomAD no frequency). In summary, the available evidence is currently insufficient to determine the role of this variant in disease. Therefore, it has been classified as a Variant of Uncertain Significance. Advanced modeling of protein sequence and biophysical properties (such as structural, functional, and spatial information, amino acid conservation, physicochemical variation, residue mobility, and thermodynamic stability) performed at Invitae indicates that this missense variant is not expected to disrupt PTCH1 protein function. ClinVar contains an entry for this variant (Variation ID: 1368064). This missense change has been observed in individual(s) with clinical features of basal cell nevus syndrome (PMID: 12925203). This sequence change replaces serine, which is neutral and polar, with arginine, which is basic and polar, at codon 647 of the PTCH1 protein (p.Ser647Arg).

Literature cited by the submitters: PubMed 12925203 (cited by Ambry Genetics and Labcorp Genetics (formerly Invitae), Labcorp).